The following is an entry in ClinVar:

NM_032634.4(PIGO):c.939+4_939+5dup

Gene: PIGO (phosphatidylinositol glycan anchor biosynthesis class O; minus strand). Cytogenetic location: 9p13.3.
Variant type: Duplication.
Coding change: c.939+4_939+5dup on transcript NM_032634.4 (MANE Select); bases 4 to 5 of the intron after coding-DNA position 939, 2 bases duplicated (AG; older notation c.939+4_939+5dupAG).
Molecular consequence: intron variant.
Genome position (GRCh38, 1-based): chr9:35,093,416-35,093,417, CT duplicated on the plus strand (AG on the coding strand, the reverse complement: PIGO is on the minus strand); duplicating any 2 consecutive bases within chr9:35,093,416-35,093,418 gives the same sequence; the c. name uses the placement nearest the transcript's 3' end. VCF-style (leftmost placement, unchanged base first): chr9-35093415-C-CCT. GRCh37 (hg19) VCF-style: chr9-35093412-C-CCT.
Other names: c.939+4_939+5dup (NM_152850.4, NM_001201484.2).
Identifiers: ClinVar variation 3662179 (VCV003662179.2).

ClinVar aggregate classification (germline): Uncertain significance (1 of 4 stars; one submission).

Conditions:
Hyperphosphatasia with impaired intellectual development syndrome 2. Also called: GLYCOSYLPHOSPHATIDYLINOSITOL BIOSYNTHESIS DEFECT 6; Hyperphosphatasia with intellectual disability syndrome 2. Identifiers: Orphanet 247262, MedGen C3553637, MONDO:0013882, OMIM 614749.

Submission:

Labcorp Genetics (formerly Invitae), Labcorp
Classification: Uncertain significance for Hyperphosphatasia with impaired intellectual development syndrome 2. Last evaluated: 2024-08-13. Review status: criteria provided, single submitter. Criteria: Invitae Variant Classification Sherloc (09022015). Collection method: clinical testing. Allele origin: germline.
Comment: This sequence change falls in intron 5 of the PIGO gene. It does not directly change the encoded amino acid sequence of the PIGO protein. It affects a nucleotide within the consensus splice site. This variant is not present in population databases (gnomAD no frequency). This variant has not been reported in the literature in individuals affected with PIGO-related conditions. Variants that disrupt the consensus splice site are a relatively common cause of aberrant splicing (PMID: 17576681, 9536098). Algorithms developed to predict the effect of sequence changes on RNA splicing suggest that this variant is not likely to affect RNA splicing. In summary, the available evidence is currently insufficient to determine the role of this variant in disease. Therefore, it has been classified as a Variant of Uncertain Significance.

Literature cited by the submitters: PubMed 17576681; PubMed 9536098.